The following is an entry in ClinVar:

ClinVar aggregate classification (germline): Uncertain significance (1 of 4 stars; one submission).

Submission:

Labcorp Genetics (formerly Invitae), Labcorp
Classification: Uncertain significance. Last evaluated: 2022-03-19. Review status: criteria provided, single submitter. Criteria: Invitae Variant Classification Sherloc (09022015). Collection method: clinical testing. Allele origin: germline.
Comment: This sequence change replaces asparagine, which is neutral and polar, with lysine, which is basic and polar, at codon 224 of the FRMD7 protein (p.Asn224Lys). In summary, the available evidence is currently insufficient to determine the role of this variant in disease. Therefore, it has been classified as a Variant of Uncertain Significance. Algorithms developed to predict the effect of missense changes on protein structure and function (SIFT, PolyPhen-2, Align-GVGD) all suggest that this variant is likely to be disruptive. This variant has not been reported in the literature in individuals affected with FRMD7-related conditions. This variant is not present in population databases (gnomAD no frequency).

NM_194277.3(FRMD7):c.672C>A (p.Asn224Lys)

Gene: FRMD7 (FERM domain containing 7; minus strand). Cytogenetic location: Xq26.2.
Variant type: single nucleotide variant.
Coding change: c.672C>A on transcript NM_194277.3 (MANE Select); coding-DNA position 672, C replaced by A.
Protein change: p.Asn224Lys; replaces asparagine 224 with lysine.
Molecular consequence: missense variant.
Genome position (GRCh38, 1-based): chrX:132,084,559, G>T on the plus strand (C>A on the coding strand, the complement: FRMD7 is on the minus strand). VCF-style: chrX-132084559-G-T. GRCh37 (hg19) VCF-style: chrX-131218587-G-T.
Other names: c.627C>A, p.Asn209Lys (NM_001306193.2); short protein forms N224K, N209K.
Identifiers: ClinVar variation 2092236 (VCV002092236.4), dbSNP rs2520746555, ClinGen allele CA414680861.